The following is an entry in ClinVar:

NM_198576.4(AGRN):c.1019C>T (p.Pro340Leu)

Gene: AGRN (agrin; plus strand). Cytogenetic location: 1p36.33.
Variant type: single nucleotide variant.
Coding change: c.1019C>T on transcript NM_198576.4 (MANE Select); coding-DNA position 1019, C replaced by T.
Protein change: p.Pro340Leu; replaces proline 340 with leucine.
Molecular consequence: missense variant.
Genome position (GRCh38, 1-based): chr1:1,041,544, C>T. VCF-style: chr1-1041544-C-T. GRCh37 (hg19) VCF-style: chr1-976924-C-T.
Other names: c.1019C>T, p.Pro340Leu (NM_001305275.2); c.704C>T, p.Pro235Leu (NM_001364727.2); short protein forms P340L, P235L.
Identifiers: ClinVar variation 2166716 (VCV002166716.4), dbSNP rs755294285, ClinGen allele CA337826386.
Genomic context (GRCh38, chr1:1,041,544, plus strand): 5'-GTCAGGGCGCCCTCCCTGACCCGAGCCGCAGCTGCCGTGTGAACCCGCGCACGCGGCGCC[C>T]TGAGATGCTCCTACGGCCCGAGAGCTGCCCTGCCCGGCAGGCGCCAGTGTGTGGGGACGA-3'
Protein context (NP_940978.2, residues 330-350): SCRVNPRTRR[Pro340Leu]EMLLRPESCP

ClinVar aggregate classification (germline): Uncertain significance (1 of 4 stars; one submission).

Conditions:
Congenital myasthenic syndrome 8. Also called: MYASTHENIC SYNDROME, CONGENITAL, DUE TO AGRIN DEFICIENCY; Myasthenic syndrome, congenital, 8, with pre- and postsynaptic defects. Identifiers: Orphanet 590, MedGen C3808739, MONDO:0014052, OMIM 615120.

Allele frequency attached by ClinVar (database versions not stated): gnomAD 0.00001.

Submission:

Labcorp Genetics (formerly Invitae), Labcorp
Classification: Uncertain significance for Congenital myasthenic syndrome 8. Last evaluated: 2025-08-03. Review status: criteria provided, single submitter. Criteria: Invitae Variant Classification Sherloc (09022015). Collection method: clinical testing. Allele origin: germline.
Comment: This sequence change replaces proline, which is neutral and non-polar, with leucine, which is neutral and non-polar, at codon 340 of the AGRN protein (p.Pro340Leu). This variant is not present in population databases (gnomAD no frequency). This variant has not been reported in the literature in individuals affected with AGRN-related conditions. ClinVar contains an entry for this variant (Variation ID: 2166716). An algorithm developed to predict the effect of missense changes on protein structure and function (PolyPhen-2) suggests that this variant is likely to be disruptive. In summary, the available evidence is currently insufficient to determine the role of this variant in disease. Therefore, it has been classified as a Variant of Uncertain Significance.